The following is an entry in ClinVar:

NM_000525.4(KCNJ11):c.433G>T (p.Ala145Ser)

Gene: KCNJ11 (potassium inwardly rectifying channel subfamily J member 11; minus strand). Cytogenetic location: 11p15.1.
Variant type: single nucleotide variant.
Coding change: c.433G>T on transcript NM_000525.4 (MANE Select); coding-DNA position 433, G replaced by T.
Protein change: p.Ala145Ser; replaces alanine 145 with serine.
Molecular consequence: missense variant.
Genome position (GRCh38, 1-based): chr11:17,387,659, C>A on the plus strand (G>T on the coding strand, the complement: KCNJ11 is on the minus strand). VCF-style: chr11-17387659-C-A. GRCh37 (hg19) VCF-style: chr11-17409206-C-A.
Other names: c.172G>T, p.Ala58Ser (NM_001166290.2, NM_001377296.1, NM_001377297.1); short protein forms A145S, A58S.
Identifiers: ClinVar variation 3231945 (VCV003231945.2), dbSNP rs1490024562, ClinGen allele CA379773768.

ClinVar aggregate classification (germline): Uncertain significance. Review status: criteria provided, multiple submitters, no conflicts (2 of 4 stars). 2 submissions from 2 submitters: Uncertain significance (2). Last evaluated 2024-02-16.

Conditions:
Diabetes mellitus, transient neonatal, 3 (TNDM3). Identifiers: Orphanet 99886, MedGen C1864623, MONDO:0012522, OMIM 610582. Disease mechanism: loss of function.
Type 2 diabetes mellitus. Also called: Type II diabetes mellitus. Identifiers: MedGen C0011860, MeSH D003924, MONDO:0005148, OMIM 125853, HP:0005978.
Maturity-onset diabetes of the young type 13. Also called: MODY, TYPE 13. Identifiers: Orphanet 552, MedGen C4225365, MONDO:0014589, OMIM 616329.
Hyperinsulinemic hypoglycemia, familial, 2. Also called: HYPERINSULINEMIC HYPOGLYCEMIA, PERSISTENT; HYPERINSULINISM, NEONATAL. Identifiers: Orphanet 276580, Orphanet 276603, MedGen C2931833, MONDO:0011153, OMIM 601820. Disease mechanism: loss of function.
Diabetes mellitus, permanent neonatal 2. Also called: KCNJ11-Related Permanent Neonatal Diabetes Mellitus. Identifiers: MedGen C5394296, MONDO:0030087, OMIM 618856.
Inborn genetic diseases. Identifiers: MedGen C0950123, MeSH D030342.

Submissions (2):

Ambry Genetics
Classification: Uncertain significance for Inborn genetic diseases. Last evaluated: 2024-02-16. Review status: criteria provided, single submitter. Criteria: Ambry Variant Classification Scheme 2023. Collection method: clinical testing. Allele origin: germline.
Comment: The p.A145S variant (also known as c.433G>T), located in coding exon 1 of the KCNJ11 gene, results from a G to T substitution at nucleotide position 433. The alanine at codon 145 is replaced by serine, an amino acid with similar properties. This amino acid position is conserved. In addition, this alteration is predicted to be deleterious by in silico analysis. Based on the available evidence, the clinical significance of this alteration remains unclear.

Fulgent Genetics
Classification: Uncertain significance for Type 2 diabetes mellitus; Hyperinsulinemic hypoglycemia, familial, 2; Diabetes mellitus, transient neonatal, 3; Maturity-onset diabetes of the young type 13; Diabetes mellitus, permanent neonatal 2. Last evaluated: 2024-01-21. Review status: criteria provided, single submitter. Criteria: ACMG Guidelines, 2015. Collection method: clinical testing. Allele origin: germline.